The following is an entry in ClinVar:

NC_000004.12:g.110158181_110266527dup

Genes: ELOVL6 (ELOVL fatty acid elongase 6; minus strand), LOC116158506 (CRISPRi-validated cis-regulatory element chr4.2510; plus strand), LOC121725181 (Sharpr-MPRA regulatory region 3955; plus strand), LOC123477803 (Sharpr-MPRA regulatory region 7468; plus strand), LOC129992962 (ATAC-STARR-seq lymphoblastoid silent region 15628; plus strand). Cytogenetic location: 4q25.
Variant type: Duplication.
Identifiers: ClinVar variation 156929 (VCV000156929.2).

ClinVar aggregate classification (germline): not provided (0 of 4 stars; one submission).

Conditions:
Small for gestational age. Also called: Low birth weight. Identifiers: MedGen C0235991, HP:0001518.

Submission:

Institute of Molecular and Cell Biology, University of Tartu
No classification provided. Condition: Small for gestational age. Review status: no classification provided. Collection method: case-control. Allele origin: unknown. Affected: yes. Study: Kasak2014.
Comment: The study aimed to determine the contribution of copy number variants in the genetic etiology of normal and complicated pregnancies. The samples represented (i) maternal blood DNA drawn from healthy pregnant women during 1st or 2nd trimester and (ii) maternal and paternal blood DNA drawn at term pregnancy cases representing normal and complicated gestations (severe preeclampsia, PE; gestational diabetes, GD; small-for-gestational age newborn, SGA; large-for-gestational age newborn, LGA). We performed CNV calling based on genome-wide genotyping dataset (Illumina HumanOmniExpress-24-v1 BeadChip) by applying three algorithms, QuantiSNP, GADA (Genome Alteration Detection Algorithm) and CNstream in parallel. The acquired CNV calls were merged with HD-CNV (Hotspot Detector for Copy Number Variants) program and only the CNVs predicted by at least two programs, were considered in subsequent analysis.

Literature cited by the submitters: PubMed 25666259.